The following is an entry in ClinVar:

NM_015488.5(PNKD):c.994A>G (p.Thr332Ala)

Genes: CATIP-AS2 (CATIP antisense RNA 2; minus strand), PNKD (PNKD metallo-beta-lactamase domain containing; plus strand). Cytogenetic location: 2q35.
Variant type: single nucleotide variant.
Coding change: c.994A>G on transcript NM_015488.5 (MANE Select); coding-DNA position 994, A replaced by G.
Protein change: p.Thr332Ala; replaces threonine 332 with alanine.
Molecular consequence: missense variant.
Genome position (GRCh38, 1-based): chr2:218,344,817, A>G. VCF-style: chr2-218344817-A-G. GRCh37 (hg19) VCF-style: chr2-219209540-A-G.
Other names: c.922A>G, p.Thr308Ala (NM_022572.5); short protein forms T332A, T308A.
Identifiers: ClinVar variation 2073333 (VCV002073333.4), dbSNP rs2469474391, ClinGen allele CA350543136.

ClinVar aggregate classification (germline): Uncertain significance (1 of 4 stars; one submission).

Conditions:
Paroxysmal nonkinesigenic dyskinesia. Also called: Paroxysmal non-kinesigenic dyskinesia. Identifiers: Orphanet 98810, MedGen C1869117, MONDO:0700088.

Submission:

Labcorp Genetics (formerly Invitae), Labcorp
Classification: Uncertain significance for Paroxysmal nonkinesigenic dyskinesia. Last evaluated: 2022-05-31. Review status: criteria provided, single submitter. Criteria: Invitae Variant Classification Sherloc (09022015). Collection method: clinical testing. Allele origin: germline.
Comment: This sequence change replaces threonine, which is neutral and polar, with alanine, which is neutral and non-polar, at codon 332 of the PNKD protein (p.Thr332Ala). This variant is not present in population databases (gnomAD no frequency). This variant has not been reported in the literature in individuals affected with PNKD-related conditions. Algorithms developed to predict the effect of missense changes on protein structure and function are either unavailable or do not agree on the potential impact of this missense change (SIFT: "Deleterious"; PolyPhen-2: "Probably Damaging"; Align-GVGD: "Class C0"). In summary, the available evidence is currently insufficient to determine the role of this variant in disease. Therefore, it has been classified as a Variant of Uncertain Significance.